The following is an entry in ClinVar:

ClinVar aggregate classification (germline): Uncertain significance (1 of 4 stars; one submission).

Submission:

Labcorp Genetics (formerly Invitae), Labcorp
Classification: Uncertain significance. Last evaluated: 2023-08-06. Review status: criteria provided, single submitter. Criteria: Invitae Variant Classification Sherloc (09022015). Collection method: clinical testing. Allele origin: germline.
Comment: This sequence change replaces serine, which is neutral and polar, with asparagine, which is neutral and polar, at codon 294 of the PPP3CA protein (p.Ser294Asn). This variant is not present in population databases (gnomAD no frequency). This variant has not been reported in the literature in individuals affected with PPP3CA-related conditions. Advanced modeling of protein sequence and biophysical properties (such as structural, functional, and spatial information, amino acid conservation, physicochemical variation, residue mobility, and thermodynamic stability) performed at Invitae indicates that this missense variant is not expected to disrupt PPP3CA protein function. In summary, the available evidence is currently insufficient to determine the role of this variant in disease. Therefore, it has been classified as a Variant of Uncertain Significance.

NM_000944.5(PPP3CA):c.881G>A (p.Ser294Asn)

Gene: PPP3CA (protein phosphatase 3 catalytic subunit alpha; minus strand). Cytogenetic location: 4q24.
Variant type: single nucleotide variant.
Coding change: c.881G>A on transcript NM_000944.5 (MANE Select); coding-DNA position 881, G replaced by A.
Protein change: p.Ser294Asn; replaces serine 294 with asparagine.
Molecular consequence: missense variant.
Genome position (GRCh38, 1-based): chr4:101,080,606, C>T on the plus strand (G>A on the coding strand, the complement: PPP3CA is on the minus strand). VCF-style: chr4-101080606-C-T. GRCh37 (hg19) VCF-style: chr4-102001763-C-T.
Other names: c.881G>A, p.Ser294Asn (NM_001130691.2, NM_001130692.2); short protein forms S294N.
Identifiers: ClinVar variation 2717750 (VCV002717750.3), dbSNP rs2476297781, ClinGen allele CA357949712.